The following is an entry in ClinVar:

ClinVar aggregate classification (germline): Uncertain significance. Review status: criteria provided, multiple submitters, no conflicts (2 of 4 stars). 2 submissions from 2 submitters: Uncertain significance (2). Last evaluated 2025-04-03.

Conditions:
Inborn genetic diseases. Identifiers: MedGen C0950123, MeSH D030342.

Submissions (2):

Ambry Genetics
Classification: Uncertain significance for Inborn genetic diseases. Last evaluated: 2025-04-03. Review status: criteria provided, single submitter. Criteria: Ambry Variant Classification Scheme 2023. Collection method: clinical testing. Allele origin: germline.

GeneDx
Classification: Uncertain significance. Last evaluated: 2024-03-02. Review status: criteria provided, single submitter. Criteria: GeneDx Variant Classification Process June 2021. Collection method: clinical testing. Allele origin: germline. Affected: yes.
Comment: Not observed at significant frequency in large population cohorts (gnomAD); In silico analysis supports that this missense variant has a deleterious effect on protein structure/function; Has not been previously published as pathogenic or benign to our knowledge

NM_001386298.1(CIC):c.5924C>G (p.Ala1975Gly)

Gene: CIC (capicua transcriptional repressor; plus strand). Cytogenetic location: 19q13.2.
Variant type: single nucleotide variant.
Coding change: c.5924C>G on transcript NM_001386298.1 (MANE Select); coding-DNA position 5924, C replaced by G.
Protein change: p.Ala1975Gly; replaces alanine 1975 with glycine.
Molecular consequence: missense variant.
Genome position (GRCh38, 1-based): chr19:42,292,587, C>G. VCF-style: chr19-42292587-C-G. GRCh37 (hg19) VCF-style: chr19-42796739-C-G.
Other names: c.5924C>G, p.Ala1975Gly (NM_001304815.2, NM_001379480.1, NM_001379482.1 and 1 more transcripts); c.3197C>G, p.Ala1066Gly (NM_001379484.1, NM_001379485.1, NM_015125.5); short protein forms A1066G, A1975G.
Identifiers: ClinVar variation 1704923 (VCV001704923.5), dbSNP rs2514021699, ClinGen allele CA406115433.